The following is an entry in ClinVar:

NM_012208.4(HARS2):c.389A>G (p.Tyr130Cys)

Gene: HARS2 (histidyl-tRNA synthetase 2, mitochondrial; plus strand). Cytogenetic location: 5q31.3.
Variant type: single nucleotide variant.
Coding change: c.389A>G on transcript NM_012208.4 (MANE Select); coding-DNA position 389, A replaced by G.
Protein change: p.Tyr130Cys; replaces tyrosine 130 with cysteine.
Molecular consequence: missense variant. On other transcripts: intron variant (1).
Genome position (GRCh38, 1-based): chr5:140,694,270, A>G. VCF-style: chr5-140694270-A-G. GRCh37 (hg19) VCF-style: chr5-140073855-A-G.
Other names: c.314A>G, p.Tyr105Cys (NM_001278731.2); c.407A>G, p.Tyr136Cys (NM_001363535.2); c.179A>G, p.Tyr60Cys (NM_001363536.2); c.93+216A>G (NM_001278732.2); short protein forms Y105C, Y130C, Y136C, Y60C.
Identifiers: ClinVar variation 1350913 (VCV001350913.12), dbSNP rs763261995, ClinGen allele CA128341369.

ClinVar aggregate classification (germline): Conflicting classifications of pathogenicity. Review status: criteria provided, conflicting classifications (1 of 4 stars). 3 submissions from 3 submitters: Likely pathogenic (2); Uncertain significance (1). Last evaluated 2025-01-09.

Conditions:
Perrault syndrome 2 (PRLTS2). Identifiers: Orphanet 2855, Orphanet 642976, MedGen C3554105, MONDO:0013972, OMIM 614926.

Allele frequency attached by ClinVar (database versions not stated): TOPMed 0.00001.
gnomAD v4.1: 5 of 1,606,330 alleles (0.00031%); highest among the groups gnomAD compares: African/African-American, 0.0013%; no homozygotes.

Submissions (3):

Institute of Rare Diseases, West China Hospital, Sichuan University
Classification: Likely pathogenic for Perrault syndrome 2. Last evaluated: 2025-01-09. Review status: criteria provided, single submitter. Criteria: ClinGen HL ACMG Specifications v1. Collection method: research. Allele origin: germline. Affected: yes.

Labcorp Genetics (formerly Invitae), Labcorp
Classification: Likely pathogenic. Last evaluated: 2024-03-10. Review status: criteria provided, single submitter. Criteria: Invitae Variant Classification Sherloc (09022015). Collection method: clinical testing. Allele origin: germline.
Comment: This sequence change replaces tyrosine, which is neutral and polar, with cysteine, which is neutral and slightly polar, at codon 130 of the HARS2 protein (p.Tyr130Cys). This variant is not present in population databases (gnomAD no frequency). This missense change has been observed in individual(s) with clinical features of Perrault syndrome (Invitae). In at least one individual the data is consistent with being in trans (on the opposite chromosome) from a pathogenic variant. It has also been observed to segregate with disease in related individuals. ClinVar contains an entry for this variant (Variation ID: 1350913). Advanced modeling of protein sequence and biophysical properties (such as structural, functional, and spatial information, amino acid conservation, physicochemical variation, residue mobility, and thermodynamic stability) performed at Invitae indicates that this missense variant is expected to disrupt HARS2 protein function with a positive predictive value of 80%. In summary, the currently available evidence indicates that the variant is pathogenic, but additional data are needed to prove that conclusively. Therefore, this variant has been classified as Likely Pathogenic.

GeneDx
Classification: Uncertain significance. Last evaluated: 2023-03-27. Review status: criteria provided, single submitter. Criteria: GeneDx Variant Classification Process June 2021. Collection method: clinical testing. Allele origin: germline. Affected: yes.
Comment: Not observed at significant frequency in large population cohorts (gnomAD); In silico analysis supports that this missense variant has a deleterious effect on protein structure/function; Has not been previously published as pathogenic or benign to our knowledge